The following is an entry in ClinVar:

NM_001130144.3(LTBP3):c.971-1G>A

Gene: LTBP3 (latent transforming growth factor beta binding protein 3; minus strand). Cytogenetic location: 11q13.1.
Variant type: single nucleotide variant.
Coding change: c.971-1G>A on transcript NM_001130144.3 (MANE Select); the canonical splice acceptor site of the intron before coding-DNA position 971, G replaced by A.
Molecular consequence: splice acceptor variant.
Genome position (GRCh38, 1-based): chr11:65,553,257, C>T on the plus strand (G>A on the coding strand, the complement: LTBP3 is on the minus strand). VCF-style: chr11-65553257-C-T. GRCh37 (hg19) VCF-style: chr11-65320728-C-T.
Other names: c.620-1G>A (NM_001164266.1); c.971-1G>A (NM_021070.4).
Identifiers: ClinVar variation 2032274 (VCV002032274.4), dbSNP rs2496173288, ClinGen allele CA381274999.

ClinVar aggregate classification (germline): Likely pathogenic (1 of 4 stars; one submission).

Conditions:
Brachyolmia-amelogenesis imperfecta syndrome. Also called: PLATYSPONDYLY WITH AMELOGENESIS IMPERFECTA; Tooth agenesis, selective, 6; Dental anomalies and short stature. Identifiers: Orphanet 2899, MedGen C1832594, MONDO:0011018, OMIM 601216. Disease mechanism: loss of function.

Submission:

Labcorp Genetics (formerly Invitae), Labcorp
Classification: Likely pathogenic for Brachyolmia-amelogenesis imperfecta syndrome. Last evaluated: 2022-09-23. Review status: criteria provided, single submitter. Criteria: Invitae Variant Classification Sherloc (09022015). Collection method: clinical testing. Allele origin: germline.
Comment: This sequence change affects an acceptor splice site in intron 4 of the LTBP3 gene. It is expected to disrupt RNA splicing. Variants that disrupt the donor or acceptor splice site typically lead to a loss of protein function (PMID: 16199547), and loss-of-function variants in LTBP3 are known to be pathogenic (PMID: 11790802, 19344874, 25669657). This variant is not present in population databases (gnomAD no frequency). This variant has not been reported in the literature in individuals affected with LTBP3-related conditions. Algorithms developed to predict the effect of sequence changes on RNA splicing suggest that this variant may disrupt the consensus splice site. In summary, the currently available evidence indicates that the variant is pathogenic, but additional data are needed to prove that conclusively. Therefore, this variant has been classified as Likely Pathogenic.

Literature cited by the submitters: PubMed 16199547; PubMed 11790802; PubMed 19344874; PubMed 25669657.